The following is an entry in ClinVar:

NM_000023.4(SGCA):c.592A>G (p.Ile198Val)

Gene: SGCA (sarcoglycan alpha; plus strand). Cytogenetic location: 17q21.33.
Variant type: single nucleotide variant.
Coding change: c.592A>G on transcript NM_000023.4 (MANE Select); coding-DNA position 592, A replaced by G.
Protein change: p.Ile198Val; replaces isoleucine 198 with valine.
Molecular consequence: missense variant. On other transcripts: non-coding transcript variant (1), intron variant (1).
Genome position (GRCh38, 1-based): chr17:50,169,099, A>G. VCF-style: chr17-50169099-A-G. GRCh37 (hg19) VCF-style: chr17-48246460-A-G.
Other names: c.584+527A>G (NM_001135697.3); short protein forms I198V.
Identifiers: ClinVar variation 969103 (VCV000969103.10), dbSNP rs375463037, ClinGen allele CA291536736.

ClinVar aggregate classification (germline): Uncertain significance. Review status: criteria provided, multiple submitters, no conflicts (2 of 4 stars). 5 submissions from 5 submitters: Uncertain significance (4). 1 of the submissions does not count toward it. Last evaluated 2024-10-17.

Conditions:
Autosomal recessive limb-girdle muscular dystrophy type 2D (LGMDR3). Also called: DUCHENNE-LIKE AUTOSOMAL RECESSIVE MUSCULAR DYSTROPHY, TYPE 2; ADHALINOPATHY, PRIMARY; MUSCULAR DYSTROPHY, LIMB-GIRDLE, AUTOSOMAL RECESSIVE 3. Identifiers: Orphanet 62, MedGen C2936332, MONDO:0011968, OMIM 608099. Disease mechanism: Affects gamma-sarcoglycan and also disrupts the integrity of the entire sarcoglycan complex..
Inborn genetic diseases. Identifiers: MedGen C0950123, MeSH D030342.

Allele frequency attached by ClinVar (database versions not stated): gnomAD exomes below 0.00001 and 0.00001; gnomAD 0.00001; TOPMed 0.00002; ESP Exome Variant Server 0.00008.
gnomAD v4.1: 16 of 1,613,716 alleles (0.00099%); highest among the groups gnomAD compares: African/African-American, 0.0013%; no homozygotes.

Submissions (5):

Ambry Genetics
Classification: Uncertain significance for Inborn genetic diseases. Last evaluated: 2024-10-17. Review status: criteria provided, single submitter. Criteria: Ambry Variant Classification Scheme 2023. Collection method: clinical testing. Allele origin: germline.

Genome-Nilou Lab
Classification: Uncertain significance for Autosomal recessive limb-girdle muscular dystrophy type 2D. Last evaluated: 2023-02-08. Review status: criteria provided, single submitter. Criteria: ACMG Guidelines, 2015. Collection method: clinical testing. Allele origin: germline.

Labcorp Genetics (formerly Invitae), Labcorp
Classification: Uncertain significance for Autosomal recessive limb-girdle muscular dystrophy type 2D. Last evaluated: 2022-07-11. Review status: criteria provided, single submitter. Criteria: Invitae Variant Classification Sherloc (09022015). Collection method: clinical testing. Allele origin: germline.
Comment: This sequence change replaces isoleucine, which is neutral and non-polar, with valine, which is neutral and non-polar, at codon 198 of the SGCA protein (p.Ile198Val). This variant is not present in population databases (gnomAD no frequency). This variant has not been reported in the literature in individuals affected with SGCA-related conditions. ClinVar contains an entry for this variant (Variation ID: 969103). Advanced modeling of protein sequence and biophysical properties (such as structural, functional, and spatial information, amino acid conservation, physicochemical variation, residue mobility, and thermodynamic stability) performed at Invitae indicates that this missense variant is not expected to disrupt SGCA protein function. In summary, the available evidence is currently insufficient to determine the role of this variant in disease. Therefore, it has been classified as a Variant of Uncertain Significance.

Athena Diagnostics
Classification: Uncertain significance. Last evaluated: 2021-04-28. Review status: criteria provided, single submitter. Criteria: Athena Diagnostics criteria. Collection method: clinical testing. Allele origin: unknown.

Natera, Inc.
Classification: Uncertain significance for Limb-girdle muscular dystrophy type 2D. Last evaluated: 2020-04-15. Review status: no assertion criteria provided. Collection method: clinical testing. Allele origin: germline. Not counted in ClinVar's aggregate classification.